The following is an entry in ClinVar:

NM_001384732.1(CPLANE1):c.4460G>A (p.Ser1487Asn)

Genes: CPLANE1 (ciliogenesis and planar polarity effector complex subunit 1; minus strand), LOC129389274 (MPRA-validated peak5227 silencer; plus strand). Cytogenetic location: 5p13.2.
Variant type: single nucleotide variant.
Coding change: c.4460G>A on transcript NM_001384732.1 (MANE Select); coding-DNA position 4460, G replaced by A.
Protein change: p.Ser1487Asn; replaces serine 1487 with asparagine.
Molecular consequence: missense variant.
Genome position (GRCh38, 1-based): chr5:37,184,809, C>T on the plus strand (G>A on the coding strand, the complement: CPLANE1 is on the minus strand). VCF-style: chr5-37184809-C-T. GRCh37 (hg19) VCF-style: chr5-37184911-C-T.
Other names: c.4460G>A, p.Ser1487Asn (NM_023073.4); short protein forms S1487N.
Identifiers: ClinVar variation 452725 (VCV000452725.15), dbSNP rs138157520, ClinGen allele CA3238703.

ClinVar aggregate classification (germline): Conflicting classifications of pathogenicity. Review status: criteria provided, conflicting classifications (1 of 4 stars). 5 submissions from 5 submitters: Uncertain significance (1); Likely benign (3). 1 of the submissions does not count toward it. Last evaluated 2026-01-20.

Conditions:
CPLANE1-related disorder. Also called: CPLANE1-related condition.
Joubert syndrome 17 (JBTS17). Identifiers: Orphanet 475, MedGen C3553264, MONDO:0013824, OMIM 614615.

Allele frequency attached by ClinVar (database versions not stated): gnomAD exomes 0.00006 and 0.00019; ExAC 0.00018; ESP Exome Variant Server 0.00031; gnomAD 0.00048 and 0.00053; TOPMed 0.00073; 1000 Genomes Project 0.00080; 1000 Genomes Project 30x 0.00094.
gnomAD v4.1: 173 of 1,611,892 alleles (0.011%); highest among the groups gnomAD compares: African/African-American, 0.17%; no homozygotes.

Submissions (5):

Labcorp Genetics (formerly Invitae), Labcorp
Classification: Likely benign. Last evaluated: 2026-01-20. Review status: criteria provided, single submitter. Criteria: Invitae Variant Classification Sherloc (09022015). Collection method: clinical testing. Allele origin: germline.

Blueprint Genetics
Classification: Likely benign. Last evaluated: 2024-05-27. Review status: criteria provided, single submitter. Criteria: ACMG Guidelines, 2015. Collection method: clinical testing. Allele origin: germline.

Baylor Genetics
Classification: Uncertain significance for Joubert syndrome 17. Last evaluated: 2020-11-16. Review status: criteria provided, single submitter. Criteria: ACMG Guidelines, 2015. Collection method: clinical testing. Allele origin: paternal. Affected: yes.
Comment: This variant was determined to be of uncertain significance according to ACMG Guidelines, 2015 [PMID:25741868].

GeneDx
Classification: Likely benign. Last evaluated: 2017-12-20. Review status: criteria provided, single submitter. Criteria: GeneDx Variant Classification (06012015). Collection method: clinical testing. Allele origin: germline. Affected: yes.
Comment: This variant is considered likely benign or benign based on one or more of the following criteria: it is a conservative change, it occurs at a poorly conserved position in the protein, it is predicted to be benign by multiple in silico algorithms, and/or has population frequency not consistent with disease.

PreventionGenetics, part of Exact Sciences
Classification: Likely benign for CPLANE1-related condition. Last evaluated: 2022-04-12. Review status: no assertion criteria provided. Collection method: clinical testing. Allele origin: germline. Not counted in ClinVar's aggregate classification.
Comment: This variant is classified as likely benign based on ACMG/AMP sequence variant interpretation guidelines (Richards et al. 2015 PMID: 25741868, with internal and published modifications).